The following is an entry in ClinVar:

NM_001194998.2(CEP152):c.3022C>A (p.Leu1008Ile)

Gene: CEP152 (centrosomal protein 152; minus strand). Cytogenetic location: 15q21.1.
Variant type: single nucleotide variant.
Coding change: c.3022C>A on transcript NM_001194998.2 (MANE Select); coding-DNA position 3022, C replaced by A.
Protein change: p.Leu1008Ile; replaces leucine 1008 with isoleucine.
Molecular consequence: missense variant.
Genome position (GRCh38, 1-based): chr15:48,756,226, G>T on the plus strand (C>A on the coding strand, the complement: CEP152 is on the minus strand). VCF-style: chr15-48756226-G-T. GRCh37 (hg19) VCF-style: chr15-49048423-G-T.
Other names: c.3022C>A, p.Leu1008Ile (NM_014985.4); short protein forms L1008I.
Identifiers: ClinVar variation 2633923 (VCV002633923.1), dbSNP rs1054434594, ClinGen allele CA392342894.

ClinVar aggregate classification (germline): Uncertain significance (1 of 4 stars; one submission).

Conditions:
CEP152-related disorder. Also called: CEP152-related condition; CEP152-related disorders. Identifiers: MedGen CN239248.

Allele frequency attached by ClinVar (database versions not stated): gnomAD exomes below 0.00001.
gnomAD v4.1: 5 of 1,611,050 alleles (0.00031%); highest among the groups gnomAD compares: South Asian, 0.0033%; no homozygotes.

Submission:

PreventionGenetics, part of Exact Sciences
Classification: Uncertain significance for CEP152-related condition. Last evaluated: 2023-09-27. Review status: criteria provided, single submitter. Criteria: ACMG Guidelines, 2015. Collection method: clinical testing. Allele origin: germline.
Comment: The CEP152 c.3022C>A variant is predicted to result in the amino acid substitution p.Leu1008Ile. To our knowledge, this variant has not been reported in the literature or in a large population database, indicating this variant is rare. At this time, the clinical significance of this variant is uncertain due to the absence of conclusive functional and genetic evidence.